The following is an entry in ClinVar:

NM_024105.4(ALG12):c.484G>A (p.Ala162Thr)

Gene: ALG12 (ALG12 alpha-1,6-mannosyltransferase; minus strand). Cytogenetic location: 22q13.33.
Variant type: single nucleotide variant.
Coding change: c.484G>A on transcript NM_024105.4 (MANE Select); coding-DNA position 484, G replaced by A.
Protein change: p.Ala162Thr; replaces alanine 162 with threonine.
Molecular consequence: missense variant.
Genome position (GRCh38, 1-based): chr22:49,910,074, C>T on the plus strand (G>A on the coding strand, the complement: ALG12 is on the minus strand). VCF-style: chr22-49910074-C-T. GRCh37 (hg19) VCF-style: chr22-50303722-C-T.
Other names: short protein forms A162T.
Identifiers: ClinVar variation 1919620 (VCV001919620.2), dbSNP rs371860013, ClinGen allele CA10300579.

ClinVar aggregate classification (germline): Uncertain significance (1 of 4 stars; one submission).

Conditions:
ALG12-congenital disorder of glycosylation (CDG1G). Also called: ALG12-CDG; Congenital disorder of glycosylation, type Ig; CDG Ig. Identifiers: Orphanet 79324, MedGen C2931001, MONDO:0011783, OMIM 607143.

Allele frequency attached by ClinVar (database versions not stated): gnomAD 0.00001; gnomAD exomes 0.00001; TOPMed 0.00001; ExAC 0.00004; ESP Exome Variant Server 0.00015.
gnomAD v4.1: 15 of 1,608,852 alleles (0.00093%); highest among the groups gnomAD compares: African/African-American, 0.0027%; no homozygotes.

Submission:

Labcorp Genetics (formerly Invitae), Labcorp
Classification: Uncertain significance for ALG12-congenital disorder of glycosylation. Last evaluated: 2022-07-06. Review status: criteria provided, single submitter. Criteria: Invitae Variant Classification Sherloc (09022015). Collection method: clinical testing. Allele origin: germline.
Comment: This sequence change replaces alanine, which is neutral and non-polar, with threonine, which is neutral and polar, at codon 162 of the ALG12 protein (p.Ala162Thr). This variant is present in population databases (rs371860013, gnomAD 0.003%). This variant has not been reported in the literature in individuals affected with ALG12-related conditions. Algorithms developed to predict the effect of missense changes on protein structure and function output the following: SIFT: "Tolerated"; PolyPhen-2: "Benign"; Align-GVGD: "Class C0". The threonine amino acid residue is found in multiple mammalian species, which suggests that this missense change does not adversely affect protein function. In summary, the available evidence is currently insufficient to determine the role of this variant in disease. Therefore, it has been classified as a Variant of Uncertain Significance.